The following is an entry in ClinVar:

ClinVar aggregate classification (germline): Uncertain significance. Review status: criteria provided, multiple submitters, no conflicts (2 of 4 stars). 2 submissions from 2 submitters: Uncertain significance (2). Last evaluated 2024-05-02.

Conditions:
Polycystic kidney disease, adult type (PKD1). Also called: Polycystic Kidney, Autosomal Dominant; POLYCYSTIC KIDNEY DISEASE 1 WITH OR WITHOUT POLYCYSTIC LIVER DISEASE; POLYCYSTIC KIDNEY DISEASE, ADULT, TYPE I; Polycystic Kidney Disease 1, Autosomal Dominant; Polycystic kidney disease 1; Polycystic kidney disease 1, severe. Identifiers: MedGen C3149841, MONDO:0008263, OMIM 173900.

gnomAD v4.1: 70 of 1,610,862 alleles (0.0043%); highest among the groups gnomAD compares: Non-Finnish European, 0.005%; no homozygotes.

Submissions (2):

Fulgent Genetics
Classification: Uncertain significance for Polycystic kidney disease, adult type. Last evaluated: 2024-05-02. Review status: criteria provided, single submitter. Criteria: ACMG Guidelines, 2015. Collection method: clinical testing. Allele origin: germline.

GeneDx
Classification: Uncertain significance. Last evaluated: 2023-10-17. Review status: criteria provided, single submitter. Criteria: GeneDx Variant Classification Process June 2021. Collection method: clinical testing. Allele origin: germline. Affected: yes.
Comment: In silico analysis supports that this missense variant does not alter protein structure/function; Has not been previously published as pathogenic or benign to our knowledge

NM_001009944.3(PKD1):c.3797G>A (p.Arg1266Gln)

Gene: PKD1 (polycystin 1, transient receptor potential channel interacting; minus strand). Cytogenetic location: 16p13.3.
Variant type: single nucleotide variant.
Coding change: c.3797G>A on transcript NM_001009944.3 (MANE Select); coding-DNA position 3797, G replaced by A.
Protein change: p.Arg1266Gln; replaces arginine 1266 with glutamine.
Molecular consequence: missense variant.
Genome position (GRCh38, 1-based): chr16:2,111,370, C>T on the plus strand (G>A on the coding strand, the complement: PKD1 is on the minus strand). VCF-style: chr16-2111370-C-T. GRCh37 (hg19) VCF-style: chr16-2161371-C-T.
Other names: c.3797G>A, p.Arg1266Gln (NM_000296.4); short protein forms R1266Q.
Identifiers: ClinVar variation 3340673 (VCV003340673.2).
Genomic context (GRCh38, chr16:2,111,370, plus strand): 5'-CTCCGGGCCAGGTGGCCGGCGGGGCTGGCCGCACCCACGGTCACTGTGCAGTTCTGTGCC[C>T]GCAGGTACACATGCTCCACTGTTGCCTCCGGGCCCGACAGCACGGTGCCGTCCCCCATGT-3'
Protein context (NP_001009944.3, residues 1256-1276): PEATVEHVYL[Arg1266Gln]AQNCTVTVGA